The following is an entry in ClinVar:

ClinVar aggregate classification (germline): Uncertain significance. Review status: criteria provided, multiple submitters, no conflicts (2 of 4 stars). 2 submissions from 2 submitters: Uncertain significance (2). Last evaluated 2025-11-06.

Allele frequency attached by ClinVar (database versions not stated): ExAC 0.00005; gnomAD 0.00005 and 0.00007; gnomAD exomes 0.00006 and 0.00012; TOPMed 0.00012; ESP Exome Variant Server 0.00017.
gnomAD v4.1: 100 of 1,613,970 alleles (0.0062%); highest among the groups gnomAD compares: Admixed American, 0.042%; no homozygotes.

Submissions (2):

Labcorp Genetics (formerly Invitae), Labcorp
Classification: Uncertain significance. Last evaluated: 2025-11-06. Review status: criteria provided, single submitter. Criteria: Invitae Variant Classification Sherloc (09022015). Collection method: clinical testing. Allele origin: germline.
Comment: This sequence change replaces proline, which is neutral and non-polar, with alanine, which is neutral and non-polar, at codon 24 of the ANKZF1 protein (p.Pro24Ala). This variant is present in population databases (rs372243770, gnomAD 0.05%). This variant has not been reported in the literature in individuals affected with ANKZF1-related conditions. ClinVar contains an entry for this variant (Variation ID: 1384915). An algorithm developed to predict the effect of missense changes on protein structure and function (PolyPhen-2) suggests that this variant is likely to be tolerated. In summary, the available evidence is currently insufficient to determine the role of this variant in disease. Therefore, it has been classified as a Variant of Uncertain Significance.

Ambry Genetics
Classification: Uncertain significance. Last evaluated: 2025-10-29. Review status: criteria provided, single submitter. Criteria: Ambry Variant Classification Scheme 2023. Collection method: clinical testing. Allele origin: germline.

NM_018089.3(ANKZF1):c.70C>G (p.Pro24Ala)

Gene: ANKZF1 (ankyrin repeat and zinc finger peptidyl tRNA hydrolase 1; plus strand). Cytogenetic location: 2q35.
Variant type: single nucleotide variant.
Coding change: c.70C>G on transcript NM_018089.3 (MANE Select); coding-DNA position 70, C replaced by G.
Protein change: p.Pro24Ala; replaces proline 24 with alanine.
Molecular consequence: missense variant. On other transcripts: intron variant (1).
Genome position (GRCh38, 1-based): chr2:219,230,327, C>G. VCF-style: chr2-219230327-C-G. GRCh37 (hg19) VCF-style: chr2-220095049-C-G.
Other names: c.70C>G, p.Pro24Ala (NM_001042410.2); c.-267+427C>G (NM_001282792.2); c.70C>G (NM_018089.2); short protein forms P24A.
Identifiers: ClinVar variation 1384915 (VCV001384915.8), dbSNP rs372243770, ClinGen allele CA2120596.